The following is an entry in ClinVar:

ClinVar aggregate classification (germline): Likely benign (1 of 4 stars; one submission).

Allele frequency attached by ClinVar (database versions not stated): TOPMed 0.00124; gnomAD 0.00161; gnomAD exomes 0.00192; 1000 Genomes Project 30x 0.00047; 1000 Genomes Project 0.00060.
gnomAD v4.1: 712 of 398,798 alleles (0.18%); highest among the groups gnomAD compares: South Asian, 0.29%; no homozygotes.

Submission:

CeGaT Center for Human Genetics Tuebingen
Classification: Likely benign. Last evaluated: 2026-09-01. Review status: criteria provided, single submitter. Criteria: CeGaT Center For Human Genetics Tuebingen Variant Classification Criteria Version 2. Collection method: clinical testing. Allele origin: germline. Affected: yes. Observed: 2 variant alleles.
Comment: GNAS-AS1: BS2

NR_185847.1(GNAS-AS1):n.93C>T

Genes: GNAS (GNAS complex locus; plus strand), GNAS-AS1 (GNAS antisense RNA 1; minus strand). Cytogenetic location: 20q13.32.
Variant type: single nucleotide variant.
Molecular consequence: non-coding transcript variant (on NR_185847.1). On other transcripts: intron variant (3).
Genome position: GRCh38 VCF-style: chr20-58850810-G-A. GRCh37 (hg19) VCF-style: chr20-57425865-G-A.
Other names: c.*42+9924G>A (NM_016592.5); c.43+9924G>A (NM_001410912.1); c.-39+8935G>A (NM_001309861.2).
Identifiers: ClinVar variation 2652436 (VCV002652436.22), dbSNP rs550172967, ClinGen allele CA316338032.